The following is an entry in ClinVar:

ClinVar aggregate classification (germline): Uncertain significance (1 of 4 stars; one submission).

Submission:

Greenwood Genetic Center Diagnostic Laboratories, Greenwood Genetic Center
Classification: Uncertain significance. Last evaluated: 2026-06-16. Review status: criteria provided, single submitter. Criteria: ACMG Guidelines, 2015. Collection method: clinical testing. Allele origin: germline.
Comment: PM2, BP7

NM_006885.4(ZFHX3):c.2100C>G (p.Ser700=)

Gene: ZFHX3 (zinc finger homeobox 3; minus strand). Cytogenetic location: 16q22.3.
Variant type: single nucleotide variant.
Coding change: c.2100C>G on transcript NM_006885.4 (MANE Select); coding-DNA position 2100, C replaced by G.
Protein change: p.Ser700=; no amino-acid change (serine 700 retained).
Molecular consequence: synonymous variant. On other transcripts: intron variant (1).
Genome position (GRCh38, 1-based): chr16:72,958,046, G>C on the plus strand (C>G on the coding strand, the complement: ZFHX3 is on the minus strand). VCF-style: chr16-72958046-G-C. GRCh37 (hg19) VCF-style: chr16-72991945-G-C.
Other names: c.2100C>G, p.Ser700= (NM_001386735.1); c.-23-7081C>G (NM_001164766.2).
Identifiers: ClinVar variation 4891154 (VCV004891154.1).